The following is an entry in ClinVar:

NM_001453.3(FOXC1):c.1051G>C (p.Gly351Arg)

Gene: FOXC1 (forkhead box C1; plus strand). Cytogenetic location: 6p25.3.
Variant type: single nucleotide variant.
Coding change: c.1051G>C on transcript NM_001453.3 (MANE Select); coding-DNA position 1051, G replaced by C.
Protein change: p.Gly351Arg; replaces glycine 351 with arginine.
Molecular consequence: missense variant.
Genome position (GRCh38, 1-based): chr6:1,611,496, G>C. VCF-style: chr6-1611496-G-C. GRCh37 (hg19) VCF-style: chr6-1611731-G-C.
Other names: short protein forms G351R.
Identifiers: ClinVar variation 469648 (VCV000469648.9), dbSNP rs897755884, ClinGen allele CA133390925.

ClinVar aggregate classification (germline): Uncertain significance. Review status: criteria provided, multiple submitters, no conflicts (2 of 4 stars). 2 submissions from 2 submitters: Uncertain significance (2). Last evaluated 2024-02-13.

Conditions:
Axenfeld-Rieger syndrome type 3 (RIEG3). Also called: AXENFELD-RIEGER ANOMALY WITH CARDIAC DEFECTS AND/OR SENSORINEURAL HEARING LOSS. Identifiers: Orphanet 782, MedGen C2678503, MONDO:0011233, OMIM 602482.
Anterior segment dysgenesis 3 (ASGD3). Also called: Glaucoma iridogoniodysplasia, familial; IRIDOGONIODYSGENESIS ANOMALY, AUTOSOMAL DOMINANT. Identifiers: Orphanet 91483, MedGen C5975707, MONDO:0024456, OMIM 601631.

Submissions (2):

Fulgent Genetics
Classification: Uncertain significance for Anterior segment dysgenesis 3; Axenfeld-Rieger syndrome type 3. Last evaluated: 2024-02-13. Review status: criteria provided, single submitter. Criteria: ACMG Guidelines, 2015. Collection method: clinical testing. Allele origin: germline.

Labcorp Genetics (formerly Invitae), Labcorp
Classification: Uncertain significance for Axenfeld-Rieger syndrome type 3. Last evaluated: 2017-02-13. Review status: criteria provided, single submitter. Criteria: Invitae Variant Classification Sherloc (09022015). Collection method: clinical testing. Allele origin: germline.
Comment: This sequence change replaces glycine with arginine at codon 351 of the FOXC1 protein (p.Gly351Arg). The glycine residue is moderately conserved and there is a moderate physicochemical difference between glycine and arginine. In summary, this variant is a novel missense change with uncertain impact on protein function. It has been classified as a Variant of Uncertain Significance. Algorithms developed to predict the effect of missense changes on protein structure and function do not agree on the potential impact of this missense change (SIFT: "Deleterious"; PolyPhen-2: "Benign"; Align-GVGD: "Class C0"). While this variant is not present in population databases, the frequency information is unreliable, as metrics indicate poor data quality at this position in the ExAC database. This variant has not been reported in the literature in individuals with a FOXC1-related disease.